The following is an entry in ClinVar:

ClinVar aggregate classification (germline): Uncertain significance (1 of 4 stars; one submission).

Conditions:
Lethal congenital glycogen storage disease of heart. Also called: PHOSPHORYLASE KINASE DEFICIENCY OF HEART; GLYCOGEN STORAGE DISEASE OF HEART. Identifiers: Orphanet 439854, MedGen C1849813, MONDO:0009867, OMIM 261740.

Submission:

Labcorp Genetics (formerly Invitae), Labcorp
Classification: Uncertain significance for Lethal congenital glycogen storage disease of heart. Last evaluated: 2022-06-29. Review status: criteria provided, single submitter. Criteria: Invitae Variant Classification Sherloc (09022015). Collection method: clinical testing. Allele origin: germline.
Comment: A gross deletion of the genomic region encompassing the full coding sequence of the PRKAG2 gene has been identified. The current clinical and genetic evidence is not sufficient to establish whether loss-of-function variants in PRKAG2 cause disease. The boundaries of this event are unknown as they extend beyond the assayed region for this gene and therefore may encompass additional genes. This variant has not been reported in the literature in individuals affected with PRKAG2-related conditions. In summary, the available evidence is currently insufficient to determine the role of this variant in disease. Therefore, it has been classified as a Variant of Uncertain Significance.

NC_000007.13:g.(?_150642453)_(151573705_?)del

Genes: CHPF2 (chondroitin polymerizing factor 2; plus strand), ASB10 (ankyrin repeat and SOCS box containing 10; minus strand), SMARCD3 (SWI/SNF related BAF chromatin remodeling complex subunit D3; minus strand), FASTK (Fas activated serine/threonine kinase; minus strand), GBX1 (gastrulation brain homeobox 1; minus strand) and 16 more. Cytogenetic location: 7q36.1.
Variant type: Deletion.
Identifiers: ClinVar variation 2426280 (VCV002426280.3).